The following is an entry in ClinVar:

NM_181703.4(GJA5):c.1034G>T (p.Ser345Ile)

Gene: GJA5 (gap junction protein alpha 5; minus strand). Cytogenetic location: 1q21.2.
Variant type: single nucleotide variant.
Coding change: c.1034G>T on transcript NM_181703.4 (MANE Select); coding-DNA position 1034, G replaced by T.
Protein change: p.Ser345Ile; replaces serine 345 with isoleucine.
Molecular consequence: missense variant.
Genome position (GRCh38, 1-based): chr1:147,758,205, C>A on the plus strand (G>T on the coding strand, the complement: GJA5 is on the minus strand). VCF-style: chr1-147758205-C-A. GRCh37 (hg19) VCF-style: chr1-147230313-C-A.
Other names: c.1034G>T, p.Ser345Ile (NM_005266.7); short protein forms S345I.
Identifiers: ClinVar variation 4784028 (VCV004784028.1).

ClinVar aggregate classification (germline): Uncertain significance (1 of 4 stars; one submission).

Conditions:
Atrial standstill 1 (ATRST1). Also called: ATRIAL CARDIOMYOPATHY WITH HEART BLOCK; CARDIOMYOPATHY, FAMILIAL, WITH CONDUCTION DISTURBANCE; Atrial standstill, digenic (GJA5/SCN5A). Identifiers: Orphanet 1344, MedGen C4551959, MONDO:0007171, OMIM 108770.
Atrial fibrillation, familial, 11 (ATFB11). Identifiers: MedGen C3279693, MONDO:0013544, OMIM 614049.

gnomAD v4.1: 1 of 1,614,118 alleles (0.000062%); highest among the groups gnomAD compares: African/African-American, 0.0013%; no homozygotes.

Submission:

Labcorp Genetics (formerly Invitae), Labcorp
Classification: Uncertain significance for Atrial fibrillation, familial, 11; Atrial standstill 1. Last evaluated: 2025-02-10. Review status: criteria provided, single submitter. Criteria: Invitae Variant Classification Sherloc (09022015). Collection method: clinical testing. Allele origin: germline.
Comment: This sequence change replaces serine, which is neutral and polar, with isoleucine, which is neutral and non-polar, at codon 345 of the GJA5 protein (p.Ser345Ile). This variant is not present in population databases (gnomAD no frequency). This variant has not been reported in the literature in individuals affected with GJA5-related conditions. Experimental studies and prediction algorithms are not available or were not evaluated, and the functional significance of this variant is currently unknown. In summary, the available evidence is currently insufficient to determine the role of this variant in disease. Therefore, it has been classified as a Variant of Uncertain Significance.